The following is an entry in ClinVar:

ClinVar aggregate classification (germline): Likely benign. Review status: criteria provided, multiple submitters, no conflicts (2 of 4 stars). 2 submissions from 2 submitters: Likely benign (2). Last evaluated 2025-12-24.

Allele frequency attached by ClinVar (database versions not stated): gnomAD 0.00001; ExAC 0.00002; gnomAD exomes 0.00002.
gnomAD v4.1: 31 of 1,613,968 alleles (0.0019%); highest among the groups gnomAD compares: East Asian, 0.0089%; no homozygotes.

Submissions (2):

Labcorp Genetics (formerly Invitae), Labcorp
Classification: Likely benign. Last evaluated: 2025-12-24. Review status: criteria provided, single submitter. Criteria: Invitae Variant Classification Sherloc (09022015). Collection method: clinical testing. Allele origin: germline.

CeGaT Center for Human Genetics Tuebingen
Classification: Likely benign. Last evaluated: 2025-10-01. Review status: criteria provided, single submitter. Criteria: CeGaT Center For Human Genetics Tuebingen Variant Classification Criteria Version 2. Collection method: clinical testing. Allele origin: germline. Affected: yes. Observed: 1 variant allele.
Comment: FREM2: BP4, BP7

NM_207361.6(FREM2):c.4536C>T (p.Thr1512=)

Gene: FREM2 (FRAS1 related extracellular matrix 2; plus strand). Cytogenetic location: 13q13.3.
Variant type: single nucleotide variant.
Coding change: c.4536C>T on transcript NM_207361.6 (MANE Select); coding-DNA position 4536, C replaced by T.
Protein change: p.Thr1512=; no amino-acid change (threonine 1512 retained).
Molecular consequence: synonymous variant.
Genome position (GRCh38, 1-based): chr13:38,691,880, C>T. VCF-style: chr13-38691880-C-T. GRCh37 (hg19) VCF-style: chr13-39266017-C-T.
Identifiers: ClinVar variation 2150716 (VCV002150716.10), dbSNP rs771382493, ClinGen allele CA6955008.